The following is an entry in ClinVar:

ClinVar aggregate classification (germline): Uncertain significance (1 of 4 stars; one submission).

Submission:

Labcorp Genetics (formerly Invitae), Labcorp
Classification: Uncertain significance. Last evaluated: 2023-06-20. Review status: criteria provided, single submitter. Criteria: Invitae Variant Classification Sherloc (09022015). Collection method: clinical testing. Allele origin: germline.
Comment: This variant is not present in population databases (gnomAD no frequency). In summary, the available evidence is currently insufficient to determine the role of this variant in disease. Therefore, it has been classified as a Variant of Uncertain Significance. Advanced modeling of protein sequence and biophysical properties (such as structural, functional, and spatial information, amino acid conservation, physicochemical variation, residue mobility, and thermodynamic stability) performed at Invitae indicates that this missense variant is not expected to disrupt LEMD3 protein function. This variant has not been reported in the literature in individuals affected with LEMD3-related conditions. This sequence change replaces leucine, which is neutral and non-polar, with arginine, which is basic and polar, at codon 249 of the LEMD3 protein (p.Leu249Arg).

NM_014319.5(LEMD3):c.746T>G (p.Leu249Arg)

Gene: LEMD3 (LEM domain containing 3; plus strand). Cytogenetic location: 12q14.3.
Variant type: single nucleotide variant.
Coding change: c.746T>G on transcript NM_014319.5 (MANE Select); coding-DNA position 746, T replaced by G.
Protein change: p.Leu249Arg; replaces leucine 249 with arginine.
Molecular consequence: missense variant.
Genome position (GRCh38, 1-based): chr12:65,170,342, T>G. VCF-style: chr12-65170342-T-G. GRCh37 (hg19) VCF-style: chr12-65564122-T-G.
Other names: c.746T>G, p.Leu249Arg (NM_001167614.2); short protein forms L249R.
Identifiers: ClinVar variation 2720072 (VCV002720072.3), dbSNP rs2498939263, ClinGen allele CA385673869.